The following is an entry in ClinVar:

ClinVar aggregate classification (germline): Likely benign. Review status: criteria provided, multiple submitters, no conflicts (2 of 4 stars). 2 submissions from 2 submitters: Likely benign (2). Last evaluated 2025-07-01.

Allele frequency attached by ClinVar (database versions not stated): gnomAD exomes below 0.00001; gnomAD 0.00005 and 0.00006; TOPMed 0.00006.
gnomAD v4.1: 13 of 1,597,856 alleles (0.00081%); highest among the groups gnomAD compares: African/African-American, 0.015%; no homozygotes.

Submissions (2):

CeGaT Center for Human Genetics Tuebingen
Classification: Likely benign. Last evaluated: 2025-07-01. Review status: criteria provided, single submitter. Criteria: CeGaT Center For Human Genetics Tuebingen Variant Classification Criteria Version 2. Collection method: clinical testing. Allele origin: germline. Affected: yes. Observed: 1 variant allele.
Comment: SZT2: BP4, BP7

Labcorp Genetics (formerly Invitae), Labcorp
Classification: Likely benign. Last evaluated: 2025-02-24. Review status: criteria provided, single submitter. Criteria: Invitae Variant Classification Sherloc (09022015). Collection method: clinical testing. Allele origin: germline.

NM_001365999.1(SZT2):c.2442C>T (p.Ala814=)

Gene: SZT2 (SZT2 subunit of KICSTOR complex; plus strand). Cytogenetic location: 1p34.2.
Variant type: single nucleotide variant.
Coding change: c.2442C>T on transcript NM_001365999.1 (MANE Select); coding-DNA position 2442, C replaced by T.
Protein change: p.Ala814=; no amino-acid change (alanine 814 retained).
Molecular consequence: synonymous variant.
Genome position (GRCh38, 1-based): chr1:43,424,403, C>T. VCF-style: chr1-43424403-C-T. GRCh37 (hg19) VCF-style: chr1-43890074-C-T.
Other names: c.2442C>T, p.Ala814= (NM_015284.4).
Identifiers: ClinVar variation 1155919 (VCV001155919.17), dbSNP rs901678932, ClinGen allele CA21631552.